The following is an entry in ClinVar:

NM_144573.4(NEXN):c.1733G>C (p.Arg578Thr)

Gene: NEXN (nexilin F-actin binding protein; plus strand). Cytogenetic location: 1p31.1.
Variant type: single nucleotide variant.
Coding change: c.1733G>C on transcript NM_144573.4 (MANE Select); coding-DNA position 1733, G replaced by C.
Protein change: p.Arg578Thr; replaces arginine 578 with threonine.
Molecular consequence: missense variant.
Genome position (GRCh38, 1-based): chr1:77,942,534, G>C. VCF-style: chr1-77942534-G-C. GRCh37 (hg19) VCF-style: chr1-78408219-G-C.
Other names: p.R578T:AGA>ACA; c.1541G>C, p.Arg514Thr (NM_001172309.2); short protein forms R578T, R514T.
Identifiers: ClinVar variation 201931 (VCV000201931.6), dbSNP rs374878979, ClinGen allele CA335433.
Genomic context (GRCh38, chr1:77,942,534, plus strand): 5'-AGGAGGAGGAAGAAGGTAGCATCATGAATGGCTCCACTGCTGAAGATGAAGAGCAAACCA[G>C]ATCAGGAGCTCCATGGTTCAAGAAGCCTCTTAAAAACACATCAGTTGTAGACAGTGAGCC-3'
Protein context (NP_653174.3, residues 568-588): GSTAEDEEQT[Arg578Thr]SGAPWFKKPL

ClinVar aggregate classification (germline): Uncertain significance. Review status: criteria provided, multiple submitters, no conflicts (2 of 4 stars). 3 submissions from 3 submitters: Uncertain significance (3). Last evaluated 2025-05-20.

Conditions:
Cardiovascular phenotype. Identifiers: MedGen CN230736.

Allele frequency attached by ClinVar (database versions not stated): ExAC 0.00002; ESP Exome Variant Server 0.00017; gnomAD 0.00001 and 0.00003; TOPMed 0.00003.

Submissions (3):

ARUP Laboratories, Molecular Genetics and Genomics, ARUP Laboratories
Classification: Uncertain significance. Last evaluated: 2025-05-20. Review status: criteria provided, single submitter. Criteria: ARUP Molecular Germline Variant Investigation Process 2024. Collection method: clinical testing. Allele origin: germline.
Comment: The NEXN c.1733G>C; p.Arg578Thr variant (rs374878979), to our knowledge, is not reported in the medical literature but is reported in ClinVar (Variation ID: 201931). This variant is found in the general population with an overall allele frequency of 0.001% (4/280,334 alleles) in the Genome Aggregation Database (v2.1.1). Computational analyses are uncertain whether this variant is neutral or deleterious (REVEL: 0.304). Due to limited information, the clinical significance of this variant is uncertain at this time.

Ambry Genetics
Classification: Uncertain significance for Cardiovascular phenotype. Last evaluated: 2023-09-13. Review status: criteria provided, single submitter. Criteria: Ambry Variant Classification Scheme 2023. Collection method: clinical testing. Allele origin: germline.
Comment: The p.R578T variant (also known as c.1733G>C), located in coding exon 12 of the NEXN gene, results from a G to C substitution at nucleotide position 1733. The arginine at codon 578 is replaced by threonine, an amino acid with similar properties. This amino acid position is highly conserved in available vertebrate species. In addition, the in silico prediction for this alteration is inconclusive. Since supporting evidence is limited at this time, the clinical significance of this alteration remains unclear.

GeneDx
Classification: Uncertain significance. Last evaluated: 2013-07-09. Review status: criteria provided, single submitter. Criteria: GeneDx Variant Classification (06012015). Collection method: clinical testing. Allele origin: germline. Affected: yes.
Comment: The Arg578Thr variant in the NEXN gene has not been reported as a disease-causing mutation or as a benign polymorphism to our knowledge. Arg578Thr results in a non-conservative amino acid substitution of a positively charged Arginine with a neutral, polar Threonine at a position that is class conserved across species. In silico analysis predicts Arg578Thr is damaging to the protein structure/function. The Arg578Thr variant was not observed with any significant frequency in approximately 6,000 individuals of European and African American ancestry in the NHLBI Exome Sequencing Project. Nevertheless, no mutations in nearby residues have been reported in association with cardiomyopathy. With the clinical and molecular information available at this time, we cannot definitively determine if Arg578Thr in the NEXN gene, is a disease-causing mutation or a rare benign variant. The variant is found in DCM panel(s).